The following is an entry in ClinVar:

NM_003036.4(SKI):c.137C>G (p.Ala46Gly)

Gene: SKI (SKI proto-oncogene; plus strand). Cytogenetic location: 1p36.33.
Variant type: single nucleotide variant.
Coding change: c.137C>G on transcript NM_003036.4 (MANE Select); coding-DNA position 137, C replaced by G.
Protein change: p.Ala46Gly; replaces alanine 46 with glycine.
Molecular consequence: missense variant.
Genome position (GRCh38, 1-based): chr1:2,228,903, C>G. VCF-style: chr1-2228903-C-G. GRCh37 (hg19) VCF-style: chr1-2160342-C-G.
Other names: c.137C>G (NM_003036.3); short protein forms A46G.
Identifiers: ClinVar variation 1298398 (VCV001298398.36), dbSNP rs1210974703, ClinGen allele CA337952164.
Genomic context (GRCh38, chr1:2,228,903, plus strand): 5'-TGAGCTCCATGAGCTCGCTGGGCGGCCCGGCCGCTTTCTCGGCGCGCTGGGCGCAGGAGG[C>G]CTACAAGAAGGAGAGCGCCAAGGAGGCGGGCGCGGCCGCGGTGCCGGCGCCGGTGCCCGC-3'
Protein context (NP_003027.1, residues 36-56): AAFSARWAQE[Ala46Gly]YKKESAKEAG

ClinVar aggregate classification (germline): Uncertain significance. Review status: criteria provided, multiple submitters, no conflicts (2 of 4 stars). 2 submissions from 2 submitters: Uncertain significance (2). Last evaluated 2024-08-12.

Conditions:
Familial thoracic aortic aneurysm and aortic dissection (TAAD). Also called: Thoracic aortic aneurysms and dissections. Identifiers: Orphanet 91387, MedGen C4707243, MONDO:0019625.

gnomAD v4.1: 17 of 1,417,506 alleles (0.0012%); highest among the groups gnomAD compares: Non-Finnish European, 0.0016%; no homozygotes.

Submissions (2):

Ambry Genetics
Classification: Uncertain significance for Familial thoracic aortic aneurysm and aortic dissection. Last evaluated: 2024-08-12. Review status: criteria provided, single submitter. Criteria: Ambry Variant Classification Scheme 2023. Collection method: clinical testing. Allele origin: germline.
Comment: The p.A46G variant (also known as c.137C>G), located in coding exon 1 of the SKI gene, results from a C to G substitution at nucleotide position 137. The alanine at codon 46 is replaced by glycine, an amino acid with similar properties. This amino acid position is conserved. In addition, this alteration is predicted to be tolerated by in silico analysis. Based on the available evidence, the clinical significance of this variant remains unclear.

CeGaT Center for Human Genetics Tuebingen
Classification: Uncertain significance. Last evaluated: 2021-09-01. Review status: criteria provided, single submitter. Criteria: CeGaT Center For Human Genetics Tuebingen Variant Classification Criteria Version 2. Collection method: clinical testing. Allele origin: germline. Affected: yes. Observed: 1 variant allele.